The following is an entry in ClinVar:

NM_001291088.2(WDR87):c.7726G>A (p.Ala2576Thr)

Gene: WDR87 (WD repeat domain 87; minus strand). Cytogenetic location: 19q13.13.
Variant type: single nucleotide variant.
Coding change: c.7726G>A on transcript NM_001291088.2 (MANE Select); coding-DNA position 7726, G replaced by A.
Protein change: p.Ala2576Thr; replaces alanine 2576 with threonine.
Molecular consequence: missense variant.
Genome position (GRCh38, 1-based): chr19:37,885,945, C>T on the plus strand (G>A on the coding strand, the complement: WDR87 is on the minus strand). VCF-style: chr19-37885945-C-T. GRCh37 (hg19) VCF-style: chr19-38376585-C-T.
Other names: c.7609G>A, p.Ala2537Thr (NM_031951.5); short protein forms A2537T, A2576T.
Identifiers: ClinVar variation 1408067 (VCV001408067.7), dbSNP rs1221713074, ClinGen allele CA405598004.

ClinVar aggregate classification (germline): Uncertain significance (1 of 4 stars; one submission).

Allele frequency attached by ClinVar (database versions not stated): gnomAD 0.00001; gnomAD exomes 0.00001.
gnomAD v4.1: 2 of 1,552,132 alleles (0.00013%); highest among the groups gnomAD compares: Non-Finnish European, 0.00017%; no homozygotes.

Submission:

Labcorp Genetics (formerly Invitae), Labcorp
Classification: Uncertain significance. Last evaluated: 2022-11-08. Review status: criteria provided, single submitter. Criteria: Invitae Variant Classification Sherloc (09022015). Collection method: clinical testing. Allele origin: germline.
Comment: This variant has not been reported in the literature in individuals affected with WDR87-related conditions. This variant is present in population databases (no rsID available, gnomAD 0.002%). This sequence change replaces alanine, which is neutral and non-polar, with threonine, which is neutral and polar, at codon 2537 of the WDR87 protein (p.Ala2537Thr). ClinVar contains an entry for this variant (Variation ID: 1408067). In summary, the available evidence is currently insufficient to determine the role of this variant in disease. Therefore, it has been classified as a Variant of Uncertain Significance. Algorithms developed to predict the effect of missense changes on protein structure and function are either unavailable or do not agree on the potential impact of this missense change (SIFT: "Deleterious"; PolyPhen-2: "Not Available"; Align-GVGD: "Class C0").